The following is an entry in ClinVar:

ClinVar aggregate classification (germline): Likely benign. Review status: criteria provided, multiple submitters, no conflicts (2 of 4 stars). 9 submissions from 8 submitters: Likely benign (9). Last evaluated 2026-07-01.

Conditions:
Charcot-Marie-Tooth disease axonal type 2O. Also called: CHARCOT-MARIE-TOOTH NEUROPATHY, AXONAL, TYPE 2O; CHARCOT-MARIE-TOOTH DISEASE, AXONAL, AUTOSOMAL DOMINANT, TYPE 2O; Charcot-Marie-Tooth Neuropathy Type 2O; Charcot-Marie-Tooth disease, axonal, type 20. Identifiers: Orphanet 284232, MedGen C3280220, MONDO:0013644, OMIM 614228.
Autosomal dominant cerebellar ataxia. Also called: Spinocerebellar Ataxia, Dominant. Identifiers: Orphanet 99, MedGen C4087347, MONDO:0020380.
Charcot-Marie-Tooth disease. Also called: Charcot-Marie-Tooth Hereditary Neuropathy; Charcot-Marie-Tooth Neuropathy. Identifiers: Orphanet 166, MedGen C0007959, MONDO:0015626.

Allele frequency attached by ClinVar (database versions not stated): TOPMed 0.00042; gnomAD 0.00044 and 0.00045; 1000 Genomes Project 30x 0.00047; ExAC 0.00049; gnomAD exomes 0.00055 and 0.00078; 1000 Genomes Project 0.00060; ESP Exome Variant Server 0.00100.
gnomAD v4.1: 1,172 of 1,613,932 alleles (0.073%); highest among the groups gnomAD compares: Non-Finnish European, 0.096%; 1 homozygote.

Submissions (9):

CeGaT Center for Human Genetics Tuebingen
Classification: Likely benign. Last evaluated: 2026-07-01. Review status: criteria provided, single submitter. Criteria: CeGaT Center For Human Genetics Tuebingen Variant Classification Criteria Version 2. Collection method: clinical testing. Allele origin: germline. Affected: yes. Observed: 4 variant alleles.
Comment: DYNC1H1: PP2, BS1

Labcorp Genetics (formerly Invitae), Labcorp
Classification: Likely benign for Charcot-Marie-Tooth disease axonal type 2O. Last evaluated: 2026-01-19. Review status: criteria provided, single submitter. Criteria: Invitae Variant Classification Sherloc (09022015). Collection method: clinical testing. Allele origin: germline.

Mayo Clinic Laboratories, Mayo Clinic
Classification: Likely benign. Last evaluated: 2025-05-07. Review status: criteria provided, single submitter. Criteria: ACMG Guidelines, 2015. Collection method: clinical testing. Allele origin: germline. Observed: 4 variant alleles.
Comment: BS1, BP4, BP7

Blueprint Genetics
Classification: Likely benign. Last evaluated: 2024-11-26. Review status: criteria provided, single submitter. Criteria: ACMG Guidelines, 2015. Collection method: clinical testing. Allele origin: germline.

Illumina Laboratory Services, Illumina
Classification: Likely benign for Charcot-Marie-Tooth disease axonal type 2O. Last evaluated: 2018-01-12. Review status: criteria provided, single submitter. Criteria: ICSL Variant Classification Criteria 13 December 2019. Collection method: clinical testing. Allele origin: germline.
Comment: This variant was observed in the ICSL laboratory as part of a predisposition screen in an ostensibly healthy population. It had not been previously curated by ICSL or reported in the Human Gene Mutation Database (HGMD: prior to June 1st, 2018), and was therefore a candidate for classification through an automated scoring system. Utilizing variant allele frequency, disease prevalence and penetrance estimates, and inheritance mode, an automated score was calculated to assess if this variant is too frequent to cause the disease. Based on the score and internal cut-off values, a variant classified as likely benign is not then subjected to further curation. The score for this variant resulted in a classification of likely benign for this disease.

Illumina Laboratory Services, Illumina
Classification: Likely benign for Spinocerebellar Ataxia, Dominant. Last evaluated: 2018-01-12. Review status: criteria provided, single submitter. Criteria: ICSL Variant Classification Criteria 13 December 2019. Collection method: clinical testing. Allele origin: germline.
Comment: the same text as in the submission from Illumina Laboratory Services, Illumina above.

GeneDx
Classification: Likely benign. Last evaluated: 2016-05-26. Review status: criteria provided, single submitter. Criteria: GeneDx Variant Classification (06012015). Collection method: clinical testing. Allele origin: germline. Affected: yes.
Comment: This variant is considered likely benign or benign based on one or more of the following criteria: it is a conservative change, it occurs at a poorly conserved position in the protein, it is predicted to be benign by multiple in silico algorithms, and/or has population frequency not consistent with disease.

Genetic Services Laboratory, University of Chicago
Classification: Likely benign. Last evaluated: 2016-02-01. Review status: criteria provided, single submitter. Criteria: ACMG Guidelines, 2015. Collection method: clinical testing. Allele origin: germline. Affected: no.

Molecular Genetics Laboratory, London Health Sciences Centre
Classification: Likely benign for Charcot-Marie-Tooth disease. Review status: criteria provided, single submitter. Criteria: ACMG Guidelines, 2015. Collection method: clinical testing. Allele origin: germline. Affected: yes.

NM_001376.5(DYNC1H1):c.10908+10G>A

Gene: DYNC1H1 (dynein cytoplasmic 1 heavy chain 1; plus strand). Cytogenetic location: 14q32.31.
Variant type: single nucleotide variant.
Coding change: c.10908+10G>A on transcript NM_001376.5 (MANE Select); 10 bases into the intron after coding-DNA position 10908, G replaced by A.
Molecular consequence: intron variant.
Genome position (GRCh38, 1-based): chr14:102,036,652, G>A. VCF-style: chr14-102036652-G-A. GRCh37 (hg19) VCF-style: chr14-102502989-G-A.
Other names: p.?.
Identifiers: ClinVar variation 385990 (VCV000385990.48), dbSNP rs201277756, ClinGen allele CA7353494.